The following is an entry in ClinVar:

ClinVar aggregate classification (germline): Uncertain significance (1 of 4 stars; one submission).

Conditions:
Sandhoff disease. Also called: HEXOSAMINIDASES A AND B DEFICIENCY; Beta-hexosaminidase-beta-subunit deficiency; GM2 gangliosidosis, type 2; Total hexosaminidase deficiency; Sandhoff-Jatzkewitz-Pilz disease; GM2-GANGLIOSIDOSIS, TYPE II. Identifiers: Orphanet 796, MedGen C0036161, MONDO:0010006, OMIM 268800.

Allele frequency attached by ClinVar (database versions not stated): gnomAD exomes below 0.00001.
gnomAD v4.1: 4 of 1,613,742 alleles (0.00025%); highest among the groups gnomAD compares: Non-Finnish European, 0.00034%; no homozygotes.

Submission:

Labcorp Genetics (formerly Invitae), Labcorp
Classification: Uncertain significance for Sandhoff disease. Last evaluated: 2022-07-13. Review status: criteria provided, single submitter. Criteria: Invitae Variant Classification Sherloc (09022015). Collection method: clinical testing. Allele origin: germline.
Comment: This sequence change replaces tryptophan, which is neutral and slightly polar, with arginine, which is basic and polar, at codon 489 of the HEXB protein (p.Trp489Arg). This variant is present in population databases (no rsID available, gnomAD 0.0009%). This variant has not been reported in the literature in individuals affected with HEXB-related conditions. Advanced modeling of protein sequence and biophysical properties (such as structural, functional, and spatial information, amino acid conservation, physicochemical variation, residue mobility, and thermodynamic stability) performed at Invitae indicates that this missense variant is expected to disrupt HEXB protein function. In summary, the available evidence is currently insufficient to determine the role of this variant in disease. Therefore, it has been classified as a Variant of Uncertain Significance.

NM_000521.4(HEXB):c.1465T>C (p.Trp489Arg)

Gene: HEXB (hexosaminidase subunit beta; plus strand). Cytogenetic location: 5q13.3.
Variant type: single nucleotide variant.
Coding change: c.1465T>C on transcript NM_000521.4 (MANE Select); coding-DNA position 1465, T replaced by C.
Protein change: p.Trp489Arg; replaces tryptophan 489 with arginine.
Molecular consequence: missense variant.
Genome position (GRCh38, 1-based): chr5:74,720,475, T>C. VCF-style: chr5-74720475-T-C. GRCh37 (hg19) VCF-style: chr5-74016300-T-C.
Other names: c.790T>C, p.Trp264Arg (NM_001292004.2); short protein forms W264R, W489R.
Identifiers: ClinVar variation 1905056 (VCV001905056.2), dbSNP rs1447056657, ClinGen allele CA360070908.
Genomic context (GRCh38, chr5:74,720,475, plus strand): 5'-GATTTTAATTTAGGTACTCAGAAACAGAAACAACTTTTCATTGGTGGAGAAGCTTGTCTA[T>C]GGGGAGAATATGTGGATGCAACTAACCTCACTCCAAGATTATGGTATGGGATTTACCTGA-3'
Protein context (NP_000512.2, residues 479-499): QLFIGGEACL[Trp489Arg]GEYVDATNLT